The following is an entry in ClinVar:

ClinVar aggregate classification (germline): Uncertain significance (1 of 4 stars; one submission).

Conditions:
Kleefstra syndrome 1 (KLEFS1). Identifiers: Orphanet 261494, MedGen C0795833, MONDO:0027407, OMIM 610253.

Submission:

Labcorp Genetics (formerly Invitae), Labcorp
Classification: Uncertain significance for Chromosome 9q deletion syndrome. Last evaluated: 2018-10-12. Review status: criteria provided, single submitter. Criteria: Invitae Variant Classification Sherloc (09022015). Collection method: clinical testing. Allele origin: germline.
Comment: This variant results in a copy number gain of the genomic region encompassing exons 26-27 of the EHMT1 gene. The 5' boundary is likely confined to intron 25. The 3' end of this event is unknown as it extends beyond the assayed region for this gene and therefore may encompass additional genes. As the precise location of this event is unknown, it may be in tandem or it may be located elsewhere in the genome. This variant has not been reported in the literature in individuals with EHMT1-related disease. Experimental studies are not available for this variant, and the functional significance of a copy number gain of these exons is currently unknown. In summary, the available evidence is currently insufficient to determine the role of this variant in disease. Therefore, it has been classified as a Variant of Uncertain Significance.

NC_000009.11:g.(?_140728781)_(140729425_?)dup

Gene: EHMT1 (euchromatic histone lysine methyltransferase 1; plus strand). Cytogenetic location: 9q34.3.
Variant type: Duplication.
Identifiers: ClinVar variation 663957 (VCV000663957.2).